The following is an entry in ClinVar:

NM_002936.6(RNASEH1):c.442T>C (p.Cys148Arg)

Gene: RNASEH1 (ribonuclease H1; minus strand). Cytogenetic location: 2p25.3.
Variant type: single nucleotide variant.
Coding change: c.442T>C on transcript NM_002936.6 (MANE Select); coding-DNA position 442, T replaced by C.
Protein change: p.Cys148Arg; replaces cysteine 148 with arginine.
Molecular consequence: missense variant. On other transcripts: non-coding transcript variant (7).
Genome position (GRCh38, 1-based): chr2:3,550,440, A>G on the plus strand (T>C on the coding strand, the complement: RNASEH1 is on the minus strand). VCF-style: chr2-3550440-A-G. GRCh37 (hg19) VCF-style: chr2-3598030-A-G.
Other names: c.364T>C, p.Cys122Arg (NM_001286834.3); c.91T>C, p.Cys31Arg (NM_001286837.3); c.442T>C, p.Cys148Arg (NM_001378271.1, NM_001378273.1); c.439T>C, p.Cys147Arg (NM_001378272.1); short protein forms C122R, C148R, C31R, C147R.
Identifiers: ClinVar variation 3720299 (VCV003720299.2).

ClinVar aggregate classification (germline): Pathogenic (1 of 4 stars; one submission).

gnomAD v4.1: 4 of 1,614,086 alleles (0.00025%); highest among the groups gnomAD compares: South Asian, 0.0033%; no homozygotes.

Submission:

Labcorp Genetics (formerly Invitae), Labcorp
Classification: Pathogenic. Last evaluated: 2024-09-30. Review status: criteria provided, single submitter. Criteria: Invitae Variant Classification Sherloc (09022015). Collection method: clinical testing. Allele origin: germline.
Comment: This sequence change replaces cysteine, which is neutral and slightly polar, with arginine, which is basic and polar, at codon 148 of the RNASEH1 protein (p.Cys148Arg). This variant is not present in population databases (gnomAD no frequency). This missense change has been observed in individual(s) with progressive external ophthalmoplegia (PMID: 23596069, 28508084, 30340744). In at least one individual the data is consistent with being in trans (on the opposite chromosome) from a pathogenic variant. Invitae Evidence Modeling of protein sequence and biophysical properties (such as structural, functional, and spatial information, amino acid conservation, physicochemical variation, residue mobility, and thermodynamic stability) indicates that this missense variant is expected to disrupt RNASEH1 protein function with a positive predictive value of 80%. For these reasons, this variant has been classified as Pathogenic.

Literature cited by the submitters: PubMed 23596069; PubMed 28508084; PubMed 30340744.